The following is an entry in ClinVar:

NM_004360.5(CDH1):c.2457T>A (p.Asp819Glu)

Gene: CDH1 (cadherin 1; plus strand). Cytogenetic location: 16q22.1.
Variant type: single nucleotide variant.
Coding change: c.2457T>A on transcript NM_004360.5 (MANE Select); coding-DNA position 2457, T replaced by A.
Protein change: p.Asp819Glu; replaces aspartic acid 819 with glutamic acid.
Molecular consequence: missense variant.
Genome position (GRCh38, 1-based): chr16:68,833,307, T>A. VCF-style: chr16-68833307-T-A. GRCh37 (hg19) VCF-style: chr16-68867210-T-A.
Other names: c.2274T>A, p.Asp758Glu (NM_001317184.2); c.909T>A, p.Asp303Glu (NM_001317185.2); c.492T>A, p.Asp164Glu (NM_001317186.2); short protein forms D164E, D758E, D819E, D303E.
Identifiers: ClinVar variation 1791561 (VCV001791561.2), dbSNP rs2152143857, ClinGen allele CA396471996.

ClinVar aggregate classification (germline): Uncertain significance (1 of 4 stars; one submission).

Conditions:
Hereditary cancer-predisposing syndrome. Also called: Hereditary Cancer Syndrome; Hereditary neoplastic syndrome; Tumor predisposition; Neoplastic Syndromes, Hereditary. Identifiers: Orphanet 140162, MedGen C0027672, MeSH D009386, MONDO:0015356.

Submission:

Ambry Genetics
Classification: Uncertain significance for Hereditary cancer-predisposing syndrome. Last evaluated: 2022-07-10. Review status: criteria provided, single submitter. Criteria: Ambry Variant Classification Scheme 2023. Collection method: clinical testing. Allele origin: germline.
Comment: The p.D819E variant (also known as c.2457T>A), located in coding exon 16 of the CDH1 gene, results from a T to A substitution at nucleotide position 2457. The aspartic acid at codon 819 is replaced by glutamic acid, an amino acid with highly similar properties. This amino acid position is conserved. In addition, the in silico prediction for this alteration is inconclusive. Since supporting evidence is limited at this time, the clinical significance of this alteration remains unclear.